The following is an entry in ClinVar:

ClinVar aggregate classification (germline): Uncertain significance (1 of 4 stars; one submission).

Conditions:
2-aminoadipic 2-oxoadipic aciduria (AAKAD). Also called: Aminoadipic aciduria; ALPHA-AMINOADIPIC AND ALPHA-KETOADIPIC ACIDURIA. Identifiers: Orphanet 79154, MedGen C1859817, MONDO:0008774, OMIM 204750.

Allele frequency attached by ClinVar (database versions not stated): gnomAD 0.00001; gnomAD exomes 0.00001; TOPMed 0.00001; ESP Exome Variant Server 0.00008.
gnomAD v4.1: 8 of 1,613,784 alleles (0.0005%); highest among the groups gnomAD compares: Non-Finnish European, 0.00068%; no homozygotes.

Submission:

Labcorp Genetics (formerly Invitae), Labcorp
Classification: Uncertain significance for 2-aminoadipic 2-oxoadipic aciduria. Last evaluated: 2022-11-01. Review status: criteria provided, single submitter. Criteria: Invitae Variant Classification Sherloc (09022015). Collection method: clinical testing. Allele origin: germline.
Comment: Advanced modeling of protein sequence and biophysical properties (such as structural, functional, and spatial information, amino acid conservation, physicochemical variation, residue mobility, and thermodynamic stability) performed at Invitae indicates that this missense variant is not expected to disrupt DHTKD1 protein function. This sequence change replaces valine, which is neutral and non-polar, with phenylalanine, which is neutral and non-polar, at codon 217 of the DHTKD1 protein (p.Val217Phe). This variant is present in population databases (rs146092898, gnomAD 0.0009%). This variant has not been reported in the literature in individuals affected with DHTKD1-related conditions. In summary, the available evidence is currently insufficient to determine the role of this variant in disease. Therefore, it has been classified as a Variant of Uncertain Significance.

NM_018706.7(DHTKD1):c.649G>T (p.Val217Phe)

Gene: DHTKD1 (dehydrogenase E1 and transketolase domain containing 1; plus strand). Cytogenetic location: 10p14.
Variant type: single nucleotide variant.
Coding change: c.649G>T on transcript NM_018706.7 (MANE Select); coding-DNA position 649, G replaced by T.
Protein change: p.Val217Phe; replaces valine 217 with phenylalanine.
Molecular consequence: missense variant.
Genome position (GRCh38, 1-based): chr10:12,087,661, G>T. VCF-style: chr10-12087661-G-T. GRCh37 (hg19) VCF-style: chr10-12129660-G-T.
Other names: short protein forms V217F.
Identifiers: ClinVar variation 2958667 (VCV002958667.3), dbSNP rs146092898, ClinGen allele CA202581783.